The following is an entry in ClinVar:

NM_000051.4(ATM):c.6115G>T (p.Glu2039Ter)

Genes: ATM (ATM serine/threonine kinase; plus strand), C11orf65 (chromosome 11 open reading frame 65; minus strand). Cytogenetic location: 11q22.3.
Variant type: single nucleotide variant.
Coding change: c.6115G>T on transcript NM_000051.4 (MANE Select); coding-DNA position 6115, G replaced by T.
Protein change: p.Glu2039Ter; replaces glutamic acid 2039 with a stop codon.
Molecular consequence: nonsense. On other transcripts: intron variant (2).
Genome position (GRCh38, 1-based): chr11:108,316,030, G>T. VCF-style: chr11-108316030-G-T. GRCh37 (hg19) VCF-style: chr11-108186757-G-T.
Other names: c.6115G>T, p.Glu2039Ter (NM_001351834.2); c.641-6959C>A (NM_001330368.2); c.*39-6959C>A (NM_001351110.2); short protein forms E2039*.
Identifiers: ClinVar variation 524366 (VCV000524366.7), dbSNP rs864622251, ClinGen allele CA382550391.

ClinVar aggregate classification (germline): Pathogenic (1 of 4 stars; one submission).

Conditions:
Ataxia-telangiectasia syndrome (AT). Also called: Cerebello-oculocutaneous telangiectasia; Immunodeficiency with ataxia telangiectasia; Ataxia-telangiectasia, complementation group E; Ataxia-telangiectasia, complementation group D; AT, COMPLEMENTATION GROUP C; ATAXIA-TELANGIECTASIA, COMPLEMENTATION GROUP A. Identifiers: Orphanet 100, MedGen C0004135, MONDO:0008840, OMIM 208900.

Submission:

Labcorp Genetics (formerly Invitae), Labcorp
Classification: Pathogenic for Ataxia-telangiectasia syndrome. Last evaluated: 2022-07-23. Review status: criteria provided, single submitter. Criteria: Invitae Variant Classification Sherloc (09022015). Collection method: clinical testing. Allele origin: germline.
Comment: For these reasons, this variant has been classified as Pathogenic. ClinVar contains an entry for this variant (Variation ID: 524366). This variant has not been reported in the literature in individuals affected with ATM-related conditions. This variant is not present in population databases (gnomAD no frequency). This sequence change creates a premature translational stop signal (p.Glu2039*) in the ATM gene. It is expected to result in an absent or disrupted protein product. Loss-of-function variants in ATM are known to be pathogenic (PMID: 23807571, 25614872).

Literature cited by the submitters: PubMed 23807571; PubMed 25614872.